The following is an entry in ClinVar:

ClinVar aggregate classification (germline): Benign. Review status: criteria provided, multiple submitters, no conflicts (2 of 4 stars). 10 submissions from 10 submitters: Benign (9). 1 of the submissions does not count toward it. Last evaluated 2026-06-01.

Conditions:
Deficiency of hydroxymethylglutaryl-CoA lyase (HMGCLD). Also called: HMGCL DEFICIENCY; HYDROXYMETHYLGLUTARIC ACIDURIA; HMG-CoA LYASE DEFICIENCY; Defect in leucine metabolism; 3-hydroxy-3-methylglutaric aciduria. Identifiers: Orphanet 20, MedGen C1533587, MONDO:0009520, OMIM 246450.

Allele frequency attached by ClinVar (database versions not stated): ExAC 0.00659; gnomAD 0.00769; 1000 Genomes Project 0.00919; ESP Exome Variant Server 0.00921; 1000 Genomes Project 30x 0.00953; TOPMed 0.01020.
gnomAD v4.1: 3,788 of 1,560,010 alleles (0.24%); highest among the groups gnomAD compares: African/African-American, 2.8%; 37 homozygotes.

Submissions (10):

CeGaT Center for Human Genetics Tuebingen
Classification: Benign. Last evaluated: 2026-06-01. Review status: criteria provided, single submitter. Criteria: CeGaT Center For Human Genetics Tuebingen Variant Classification Criteria Version 2. Collection method: clinical testing. Allele origin: germline. Affected: yes. Observed: 4 variant alleles.
Comment: HMGCL: BP4, BS1, BS2

Women's Health and Genetics/Laboratory Corporation of America, LabCorp
Classification: Benign. Last evaluated: 2026-02-16. Review status: criteria provided, single submitter. Criteria: LabCorp Variant Classification Summary - May 2015. Collection method: clinical testing. Allele origin: germline.

Labcorp Genetics (formerly Invitae), Labcorp
Classification: Benign for Deficiency of hydroxymethylglutaryl-CoA lyase. Last evaluated: 2026-02-02. Review status: criteria provided, single submitter. Criteria: Invitae Variant Classification Sherloc (09022015). Collection method: clinical testing. Allele origin: germline.

Mayo Clinic Laboratories, Mayo Clinic
Classification: Benign. Last evaluated: 2024-11-07. Review status: criteria provided, single submitter. Criteria: ACMG Guidelines, 2015. Collection method: clinical testing. Allele origin: germline. Observed: 2 variant alleles.
Comment: BA1, BP4, BP7

ARUP Laboratories, Molecular Genetics and Genomics, ARUP Laboratories
Classification: Benign for Deficiency of hydroxymethylglutaryl-CoA lyase. Last evaluated: 2024-07-18. Review status: criteria provided, single submitter. Criteria: ARUP Molecular Germline Variant Investigation Process 2024. Collection method: clinical testing. Allele origin: germline.

Genome-Nilou Lab
Classification: Benign for Deficiency of hydroxymethylglutaryl-CoA lyase. Last evaluated: 2023-04-11. Review status: criteria provided, single submitter. Criteria: ACMG Guidelines, 2015. Collection method: clinical testing. Allele origin: germline. Affected: no.

Illumina Laboratory Services, Illumina
Classification: Benign for Deficiency of hydroxymethylglutaryl-CoA lyase. Last evaluated: 2018-01-13. Review status: criteria provided, single submitter. Criteria: ICSL Variant Classification Criteria 13 December 2019. Collection method: clinical testing. Allele origin: germline.
Comment: This variant was observed in the ICSL laboratory as part of a predisposition screen in an ostensibly healthy population. It had not been previously curated by ICSL or reported in the Human Gene Mutation Database (HGMD: prior to June 1st, 2018), and was therefore a candidate for classification through an automated scoring system. Utilizing variant allele frequency, disease prevalence and penetrance estimates, and inheritance mode, an automated score was calculated to assess if this variant is too frequent to cause the disease. Based on the score and internal cut-off values, a variant classified as benign is not then subjected to further curation. The score for this variant resulted in a classification of benign for this disease.

GeneDx
Classification: Benign. Last evaluated: 2015-07-28. Review status: criteria provided, single submitter. Criteria: GeneDx Variant Classification (06012015). Collection method: clinical testing. Allele origin: germline. Affected: yes.
Comment: This variant is considered likely benign or benign based on one or more of the following criteria: it is a conservative change, it occurs at a poorly conserved position in the protein, it is predicted to be benign by multiple in silico algorithms, and/or has population frequency not consistent with disease.

Breakthrough Genomics
Classification: Benign. Review status: criteria provided, single submitter. Criteria: ACMG Guidelines, 2015. Collection method: not provided. Allele origin: germline. Inheritance: Autosomal recessive inheritance. Affected: yes.

Natera, Inc.
Classification: Benign for HMG-CoA lyase deficiency. Last evaluated: 2020-09-16. Review status: no assertion criteria provided. Collection method: clinical testing. Allele origin: germline. Not counted in ClinVar's aggregate classification.

NM_000191.3(HMGCL):c.48G>A (p.Ala16=)

Gene: HMGCL (3-hydroxy-3-methylglutaryl-CoA lyase; minus strand). Cytogenetic location: 1p36.11.
Variant type: single nucleotide variant.
Coding change: c.48G>A on transcript NM_000191.3 (MANE Select); coding-DNA position 48, G replaced by A.
Protein change: p.Ala16=; no amino-acid change (alanine 16 retained).
Molecular consequence: synonymous variant.
Genome position (GRCh38, 1-based): chr1:23,825,368, C>T on the plus strand (G>A on the coding strand, the complement: HMGCL is on the minus strand). VCF-style: chr1-23825368-C-T. GRCh37 (hg19) VCF-style: chr1-24151858-C-T.
Other names: p.Ala16=; c.48G>A, p.Ala16= (NM_001166059.2).
Identifiers: ClinVar variation 296855 (VCV000296855.27), dbSNP rs115611440, ClinGen allele CA686223.